The following is an entry in ClinVar:

ClinVar aggregate classification (germline): Uncertain significance (1 of 4 stars; one submission).

Submission:

Women's Health and Genetics/Laboratory Corporation of America, LabCorp
Classification: Uncertain significance. Last evaluated: 2023-12-08. Review status: criteria provided, single submitter. Criteria: LabCorp Variant Classification Summary - May 2015. Collection method: clinical testing. Allele origin: germline.
Comment: Variant summary: The variant involves the duplication of exons 1-2 in the FGFR3 gene. A presumed nomenclature of c.(?_-276)_(109+1_110-1)dup has been designated for the purposes of this classification. The exact breakpoint at the 5' end of this variant is unknown, therefore this duplication may extend upstream of the annotated region of this gene. It is predicted to duplicate a segment including the initiation codon, therefore its impact on the encoded protein is unknown. A large duplication involving exons 1-2 which extends into the TACC3 gene was found at a frequency of 9.2e-05 in 21690 control chromosomes in the gnomAD database, including 1 homozygote. The available data on variant occurrences in the general population are insufficient to allow any conclusion about variant significance. To our knowledge, no occurrence of c.(?_-276)_(109+1_110-1)dup in individuals affected with Achondroplasia and no experimental evidence demonstrating its impact on protein function have been reported. No submitters have cited clinical-significance assessments for this variant to ClinVar after 2014, although a duplication with unknown breakpoints encompassing exon 2 with the initiation codon (ClinVar ID 2422457) was classified as uncertain significance by one submitter. Based on the evidence outlined above, the variant was classified as uncertain significance.

NC_000004.11:g.(?_1795019)_(1795771_1800980)dup

Gene: FGFR3 (fibroblast growth factor receptor 3; plus strand). Cytogenetic location: 4p16.3.
Variant type: Duplication.
Identifiers: ClinVar variation 2691532 (VCV002691532.1).